The following is an entry in ClinVar:

ClinVar aggregate classification (germline): Uncertain significance (1 of 4 stars; one submission).

Conditions:
Neurodevelopmental disorder with visual defects and brain anomalies. Identifiers: MedGen C5231404, MONDO:0032807, OMIM 618547.
Hemolytic anemia due to hexokinase deficiency (CNSHA5). Also called: ANEMIA, CONGENITAL, NONSPHEROCYTIC HEMOLYTIC, 5; Non-spherocytic hemolytic anemia due to hexokinase deficiency; Hexokinase deficiency hemolytic anemia; HEMOLYTIC ANEMIA, NONSPHEROCYTIC, DUE TO HEXOKINASE DEFICIENCY. Identifiers: Orphanet 90031, MedGen C3150343, MONDO:0009340, OMIM 235700.
Charcot-Marie-Tooth disease type 4G. Also called: CHARCOT-MARIE-TOOTH DISEASE, DEMYELINATING, TYPE 4G; Neuropathy, hereditary motor and sensory, Russe type; CHARCOT-MARIE-TOOTH NEUROPATHY, TYPE 4G. Identifiers: Orphanet 99953, MedGen C1854449, MONDO:0011534, OMIM 605285.
Retinitis pigmentosa 79 (RP79). Identifiers: MedGen C4479526, MONDO:0044320, OMIM 617460.

Submission:

Juno Genomics, Hangzhou Juno Genomics, Inc
Classification: Uncertain significance for Hemolytic anemia due to hexokinase deficiency; Neurodevelopmental disorder with visual defects and brain anomalies; Charcot-Marie-Tooth disease type 4G; Retinitis pigmentosa 79. Review status: criteria provided, single submitter. Criteria: ACMG Guidelines, 2015. Collection method: clinical testing. Allele origin: germline.
Comment: Absent from controls (or at extremely low frequency if recessive) in Genome Aggregation Database.;Missense variant in a gene that has a low rate of benign missense variation.;Multiple lines of computational evidence support a deleterious effect on the gene or gene product.

NM_000188.3(HK1):c.854C>A (p.Ser285Tyr)

Gene: HK1 (hexokinase 1; plus strand). Cytogenetic location: 10q22.1.
Variant type: single nucleotide variant.
Coding change: c.854C>A on transcript NM_000188.3 (MANE Select); coding-DNA position 854, C replaced by A.
Protein change: p.Ser285Tyr; replaces serine 285 with tyrosine.
Molecular consequence: missense variant. On other transcripts: non-coding transcript variant (2), 5 prime UTR variant (1).
Genome position (GRCh38, 1-based): chr10:69,369,603, C>A. VCF-style: chr10-69369603-C-A. GRCh37 (hg19) VCF-style: chr10-71129359-C-A.
Other names: c.818C>A, p.Ser273Tyr (NM_033500.2); c.854C>A, p.Ser285Tyr (NM_001441148.1, NM_001441150.1, NM_001441139.1 and 3 more transcripts); c.488C>A, p.Ser163Tyr (NM_001441149.1); c.215C>A, p.Ser72Tyr (NM_001441151.1); c.140C>A, p.Ser47Tyr (NM_001441152.1); c.-159C>A (NM_001441153.1); c.851C>A, p.Ser284Tyr (NM_033496.3); c.866C>A, p.Ser289Tyr (NM_033497.3, NM_033498.3, NM_001358263.1 and 1 more transcripts); and 7 more; short protein forms S245Y, S47Y, S282Y, S285Y, S320Y, S211Y, S253Y, S257Y.
Identifiers: ClinVar variation 5007724 (VCV005007724.2).